The following is an entry in ClinVar:

ClinVar aggregate classification (germline): Uncertain significance (1 of 4 stars; one submission).

Allele frequency attached by ClinVar (database versions not stated): gnomAD exomes 0.00001; ExAC 0.00002; gnomAD 0.00007; ESP Exome Variant Server 0.00008; TOPMed 0.00009.
gnomAD v4.1: 26 of 1,612,262 alleles (0.0016%); highest among the groups gnomAD compares: Admixed American, 0.0067%; no homozygotes.

Submission:

Labcorp Genetics (formerly Invitae), Labcorp
Classification: Uncertain significance. Last evaluated: 2025-12-01. Review status: criteria provided, single submitter. Criteria: Invitae Variant Classification Sherloc (09022015). Collection method: clinical testing. Allele origin: germline.
Comment: This sequence change creates a premature translational stop signal (p.Trp3280*) in the HMCN1 gene. It is expected to result in an absent or disrupted protein product. However, the current clinical and genetic evidence is not sufficient to establish whether loss-of-function variants in HMCN1 cause disease. This variant is present in population databases (rs375502689, gnomAD 0.04%). This variant has not been reported in the literature in individuals affected with HMCN1-related conditions. ClinVar contains an entry for this variant (Variation ID: 2066185). Algorithms developed to predict the effect of sequence changes on RNA splicing suggest that this variant may disrupt the consensus splice site. In summary, the available evidence is currently insufficient to determine the role of this variant in disease. Therefore, it has been classified as a Variant of Uncertain Significance.

NM_031935.3(HMCN1):c.9839G>A (p.Trp3280Ter)

Gene: HMCN1 (hemicentin 1; plus strand). Cytogenetic location: 1q31.1.
Variant type: single nucleotide variant.
Coding change: c.9839G>A on transcript NM_031935.3 (MANE Select); coding-DNA position 9839, G replaced by A.
Protein change: p.Trp3280Ter; replaces tryptophan 3280 with a stop codon.
Molecular consequence: nonsense.
Genome position (GRCh38, 1-based): chr1:186,090,869, G>A. VCF-style: chr1-186090869-G-A. GRCh37 (hg19) VCF-style: chr1-186060001-G-A.
Other names: short protein forms W3280*.
Identifiers: ClinVar variation 2066185 (VCV002066185.2), dbSNP rs375502689, ClinGen allele CA1293554.